The following is an entry in ClinVar:

ClinVar aggregate classification (germline): Conflicting classifications of pathogenicity. Review status: criteria provided, conflicting classifications (1 of 4 stars). 3 submissions from 3 submitters: Uncertain significance (2); Likely benign (1). Last evaluated 2026-07-06.

Conditions:
Hereditary cancer-predisposing syndrome. Also called: Hereditary Cancer Syndrome; Hereditary neoplastic syndrome; Neoplastic Syndromes, Hereditary; Tumor predisposition. Identifiers: Orphanet 140162, MedGen C0027672, MeSH D009386, MONDO:0015356.
Birt-Hogg-Dube syndrome. Also called: Birt Hogg Dubé syndrome. Identifiers: Orphanet 122, MedGen C0346010, MONDO:0800444.

Submissions (3):

Ambry Genetics
Classification: Likely benign for Hereditary cancer-predisposing syndrome. Last evaluated: 2026-07-06. Review status: criteria provided, single submitter. Criteria: Ambry Variant Classification Scheme 2023. Collection method: clinical testing. Allele origin: germline.

Labcorp Genetics (formerly Invitae), Labcorp
Classification: Uncertain significance for Birt-Hogg-Dube syndrome. Last evaluated: 2025-02-03. Review status: criteria provided, single submitter. Criteria: Invitae Variant Classification Sherloc (09022015). Collection method: clinical testing. Allele origin: germline.
Comment: This sequence change replaces serine, which is neutral and polar, with asparagine, which is neutral and polar, at codon 407 of the FLCN protein (p.Ser407Asn). This variant is not present in population databases (gnomAD no frequency). This variant has not been reported in the literature in individuals affected with FLCN-related conditions. ClinVar contains an entry for this variant (Variation ID: 2503295). Invitae Evidence Modeling of protein sequence and biophysical properties (such as structural, functional, and spatial information, amino acid conservation, physicochemical variation, residue mobility, and thermodynamic stability) indicates that this missense variant is not expected to disrupt FLCN protein function with a negative predictive value of 80%. In summary, the available evidence is currently insufficient to determine the role of this variant in disease. Therefore, it has been classified as a Variant of Uncertain Significance.

GeneDx
Classification: Uncertain significance. Last evaluated: 2022-11-23. Review status: criteria provided, single submitter. Criteria: GeneDx Variant Classification Process June 2021. Collection method: clinical testing. Allele origin: germline. Affected: yes.
Comment: Not observed at significant frequency in large population cohorts (gnomAD); In silico analysis supports that this missense variant does not alter protein structure/function; Has not been previously published as pathogenic or benign to our knowledge; This variant is associated with the following publications: (PMID: 17028174)

NM_144997.7(FLCN):c.1220G>A (p.Ser407Asn)

Gene: FLCN (folliculin; minus strand). Cytogenetic location: 17p11.2.
Variant type: single nucleotide variant.
Coding change: c.1220G>A on transcript NM_144997.7 (MANE Select); coding-DNA position 1220, G replaced by A.
Protein change: p.Ser407Asn; replaces serine 407 with asparagine.
Molecular consequence: missense variant.
Genome position (GRCh38, 1-based): chr17:17,216,460, C>T on the plus strand (G>A on the coding strand, the complement: FLCN is on the minus strand). VCF-style: chr17-17216460-C-T. GRCh37 (hg19) VCF-style: chr17-17119774-C-T.
Other names: c.1274G>A, p.Ser425Asn (NM_001353229.2); c.1220G>A, p.Ser407Asn (NM_001353230.2, NM_001353231.2); short protein forms S407N, S425N.
Identifiers: ClinVar variation 2503295 (VCV002503295.4), dbSNP rs2544163462, ClinGen allele CA398531868.